The following is an entry in ClinVar:

NM_001040716.2(PC):c.786G>T (p.Glu262Asp)

Gene: PC (pyruvate carboxylase; minus strand). Cytogenetic location: 11q13.2.
Variant type: single nucleotide variant.
Coding change: c.786G>T on transcript NM_001040716.2 (MANE Select); coding-DNA position 786, G replaced by T.
Protein change: p.Glu262Asp; replaces glutamic acid 262 with aspartic acid.
Molecular consequence: missense variant.
Genome position (GRCh38, 1-based): chr11:66,870,419, C>A on the plus strand (G>T on the coding strand, the complement: PC is on the minus strand). VCF-style: chr11-66870419-C-A. GRCh37 (hg19) VCF-style: chr11-66637890-C-A.
Other names: p.E262D:GAG>GAT; c.786G>T, p.Glu262Asp (NM_000920.4, NM_022172.3); c.786G>T (NM_001040716.1); short protein forms E262D.
Identifiers: ClinVar variation 203916 (VCV000203916.11), dbSNP rs200030109, ClinGen allele CA312908.

ClinVar aggregate classification (germline): Conflicting classifications of pathogenicity. Review status: criteria provided, conflicting classifications (1 of 4 stars). 6 submissions from 6 submitters: Likely pathogenic (1); Uncertain significance (2); Likely benign (1). 2 of the submissions do not count toward it. Last evaluated 2025-12-28.

Conditions:
PC-related disorder. Also called: PC-related condition.
Inborn genetic diseases. Identifiers: MedGen C0950123, MeSH D030342.
Pyruvate carboxylase deficiency. Also called: LEIGH NECROTIZING ENCEPHALOPATHY DUE TO PYRUVATE CARBOXYLASE DEFICIENCY; LEIGH SYNDROME DUE TO PYRUVATE CARBOXYLASE DEFICIENCY; PC DEFICIENCY; ATAXIA WITH LACTIC ACIDOSIS II; Pyruvate Carboxylase Deficiency Disease. Identifiers: Orphanet 3008, MedGen C0034341, MONDO:0009949, OMIM 266150.

Allele frequency attached by ClinVar (database versions not stated): ExAC 0.00007; gnomAD exomes 0.00007; gnomAD 0.00014 and 0.00015; TOPMed 0.00019; 1000 Genomes Project 0.00020; 1000 Genomes Project 30x 0.00031.
gnomAD v4.1: 93 of 1,613,732 alleles (0.0058%); highest among the groups gnomAD compares: Admixed American, 0.043%; no homozygotes.

Submissions (6):

Labcorp Genetics (formerly Invitae), Labcorp
Classification: Likely benign for Pyruvate carboxylase deficiency. Last evaluated: 2025-12-28. Review status: criteria provided, single submitter. Criteria: Invitae Variant Classification Sherloc (09022015). Collection method: clinical testing. Allele origin: germline.

Women's Health and Genetics/Laboratory Corporation of America, LabCorp
Classification: Uncertain significance. Last evaluated: 2025-05-14. Review status: criteria provided, single submitter. Criteria: LabCorp Variant Classification Summary - May 2015. Collection method: clinical testing. Allele origin: germline.
Comment: Variant summary: PC c.786G>T (p.Glu262Asp) results in a conservative amino acid change in the encoded protein sequence. Algorithms developed to predict the effect of missense changes on protein structure and function are either unavailable or do not agree on the potential impact of this missense change. The variant allele was found at a frequency of 6.8e-05 in 250664 control chromosomes. This frequency is not significantly higher than estimated for a pathogenic variant in PC causing Pyruvate Carboxylase Deficiency (6.8e-05 vs 0.0022), allowing no conclusion about variant significance. To our knowledge, no occurrence of c.786G>T in individuals affected with Pyruvate Carboxylase Deficiency and no experimental evidence demonstrating its impact on protein function have been reported. ClinVar contains an entry for this variant (Variation ID: 203916). Based on the evidence outlined above, the variant was classified as uncertain significance.

Ambry Genetics
Classification: Uncertain significance for Inborn genetic diseases. Last evaluated: 2021-07-08. Review status: criteria provided, single submitter. Criteria: Ambry Variant Classification Scheme 2023. Collection method: clinical testing. Allele origin: germline.

GeneDx
Classification: Likely pathogenic. Last evaluated: 2014-02-14. Review status: criteria provided, single submitter. Criteria: GeneDx Variant Classification (06012015). Collection method: clinical testing. Allele origin: germline. Affected: yes.
Comment: p.Glu262Asp (GAG>GAT): c.786 G>T in exon 8 of the PC gene (NM_000920.3) A E262D missense change that is likely pathogenic was identified in the PC gene. It has not been published as a mutation, nor has it been reported as a benign polymorphism to our knowledge. The amino acid change is conservative as both Glutamic Acid and Aspartic Acid are negatively charged amino acids; however, this change occurs at a highly conserved position in the PC protein, and multiple in-silico analysis models predict that E262D is damaging to the PC protein. Therefore, E262D is a strong candidate for a disease-causing mutation, however the possibility that it is a benign variant cannot be excluded. The variant is found in MITONUC-MITOP panel(s).

PreventionGenetics, part of Exact Sciences
Classification: Uncertain significance for PC-related condition. Last evaluated: 2024-09-20. Review status: no assertion criteria provided. Collection method: clinical testing. Allele origin: germline. Not counted in ClinVar's aggregate classification.
Comment: The PC c.786G>T variant is predicted to result in the amino acid substitution p.Glu262Asp. To our knowledge, this variant has not been reported in the literature. This variant is reported in 0.034% of alleles in individuals of Latino descent in gnomAD. A different amino acid substitution affecting this residue has been reported as uncertain significance in a patient with epilepsy (c.784G>A, p.Gly262Lys; Ganapathy et al. 2019. PubMed ID: 31069529). At this time, the clinical significance of this variant is uncertain due to the absence of conclusive functional and genetic evidence.

Counsyl
Classification: Uncertain significance for Pyruvate carboxylase deficiency. Last evaluated: 2016-12-16. Review status: no assertion criteria provided. Collection method: clinical testing. Allele origin: unknown. Not counted in ClinVar's aggregate classification.